The following is an entry in ClinVar:

NM_024675.4(PALB2):c.2313T>G (p.Ser771Arg)

Gene: PALB2 (partner and localizer of BRCA2; minus strand). Cytogenetic location: 16p12.2.
Variant type: single nucleotide variant.
Coding change: c.2313T>G on transcript NM_024675.4 (MANE Select); coding-DNA position 2313, T replaced by G.
Protein change: p.Ser771Arg; replaces serine 771 with arginine.
Molecular consequence: missense variant. On other transcripts: intron variant (1).
Genome position (GRCh38, 1-based): chr16:23,629,841, A>C on the plus strand (T>G on the coding strand, the complement: PALB2 is on the minus strand). VCF-style: chr16-23629841-A-C. GRCh37 (hg19) VCF-style: chr16-23641162-A-C.
Other names: c.2253T>G, p.Ser751Arg (NM_001407296.1); c.2313T>G, p.Ser771Arg (NM_001407297.1, NM_001407298.1, NM_001407299.1 and 3 more transcripts); c.1428T>G, p.Ser476Arg (NM_001407304.1, NM_001407305.1, NM_001407306.1 and 5 more transcripts); c.525T>G, p.Ser175Arg (NM_001407312.1, NM_001407313.1); c.49-566T>G (NM_001407314.1); short protein forms S751R, S175R, S476R, S771R.
Identifiers: ClinVar variation 3885208 (VCV003885208.1).

ClinVar aggregate classification (germline): Uncertain significance (1 of 4 stars; one submission).

Conditions:
Hereditary cancer-predisposing syndrome. Also called: Tumor predisposition; Neoplastic Syndromes, Hereditary; Hereditary Cancer Syndrome; Hereditary neoplastic syndrome. Identifiers: Orphanet 140162, MedGen C0027672, MeSH D009386, MONDO:0015356.

Submission:

Ambry Genetics
Classification: Uncertain significance for Hereditary cancer-predisposing syndrome. Last evaluated: 2025-01-19. Review status: criteria provided, single submitter. Criteria: Ambry Variant Classification Scheme 2023. Collection method: clinical testing. Allele origin: germline.
Comment: The p.S771R variant (also known as c.2313T>G), located in coding exon 5 of the PALB2 gene, results from a T to G substitution at nucleotide position 2313. The serine at codon 771 is replaced by arginine, an amino acid with dissimilar properties. This amino acid position is conserved. In addition, this alteration is predicted to be tolerated by in silico analysis. Based on the available evidence, the clinical significance of this variant remains unclear.